The following is an entry in ClinVar:

ClinVar aggregate classification (germline): Uncertain significance (1 of 4 stars; one submission).

Allele frequency attached by ClinVar (database versions not stated): TOPMed 0.00001.
gnomAD v4.1: 2 of 1,613,726 alleles (0.00012%); highest among the groups gnomAD compares: Admixed American, 0.0033%; no homozygotes.

Submission:

Labcorp Genetics (formerly Invitae), Labcorp
Classification: Uncertain significance. Last evaluated: 2022-08-13. Review status: criteria provided, single submitter. Criteria: Invitae Variant Classification Sherloc (09022015). Collection method: clinical testing. Allele origin: germline.
Comment: This sequence change replaces methionine, which is neutral and non-polar, with valine, which is neutral and non-polar, at codon 579 of the MCM4 protein (p.Met579Val). This variant is present in population databases (rs776783201, gnomAD 0.006%). This variant has not been reported in the literature in individuals affected with MCM4-related conditions. Algorithms developed to predict the effect of missense changes on protein structure and function are either unavailable or do not agree on the potential impact of this missense change (SIFT: "Tolerated"; PolyPhen-2: "Possibly Damaging"; Align-GVGD: "Class C0"). In summary, the available evidence is currently insufficient to determine the role of this variant in disease. Therefore, it has been classified as a Variant of Uncertain Significance.

NM_182746.3(MCM4):c.1735A>G (p.Met579Val)

Gene: MCM4 (minichromosome maintenance complex component 4; plus strand). Cytogenetic location: 8q11.21.
Variant type: single nucleotide variant.
Coding change: c.1735A>G on transcript NM_182746.3 (MANE Select); coding-DNA position 1735, A replaced by G.
Protein change: p.Met579Val; replaces methionine 579 with valine.
Molecular consequence: missense variant.
Genome position (GRCh38, 1-based): chr8:47,970,811, A>G. VCF-style: chr8-47970811-A-G. GRCh37 (hg19) VCF-style: chr8-48883371-A-G.
Other names: c.1735A>G, p.Met579Val (NM_005914.4); short protein forms M579V.
Identifiers: ClinVar variation 1916945 (VCV001916945.5), dbSNP rs776783201, ClinGen allele CA4742682.
Genomic context (GRCh38, chr8:47,970,811, plus strand): 5'-CAGACAGGTGCTCTTGTCCTGAGTGACAACGGCATCTGCTGTATCGATGAGTTCGACAAG[A>G]TGAATGAAAGTACAAGATCGGTATTGCATGAAGTCATGGAACAGCAGACTCTGTCCATTG-3'
Protein context (NP_877423.1, residues 569-589): GICCIDEFDK[Met579Val]NESTRSVLHE